The following continues an entry in ClinVar:

NM_000500.9(CYP21A2):c.844G>T (p.Val282Leu)

ClinVar aggregate classification (germline): Pathogenic/Likely pathogenic. Pathogenic (31); Likely pathogenic (2).

Submissions 27 to 38 of 43:

Fulgent Genetics
Classification: Pathogenic for 21-Hydroxylase-Deficient Congenital Adrenal Hyperplasia. Last evaluated: 2017-05-18. Review status: criteria provided, single submitter. Criteria: ACMG Guidelines, 2015. Collection method: clinical testing. Allele origin: unknown.

Knight Diagnostic Laboratories, Oregon Health and Sciences University
Classification: Pathogenic for 21-Hydroxylase-Deficient Congenital Adrenal Hyperplasia. Last evaluated: 2016-06-27. Review status: criteria provided, single submitter. Criteria: ACMG Guidelines, 2015. Collection method: clinical testing. Allele origin: germline. Affected: no. Study: CSER-NextGen.
Comment: The well-known c.844G>T (p.Val282Leu) missense variant is frequently observed in individuals affected with non-classical congenital adrenal hyperplasia (GeneReviews: Nimkarn et al., 2016, , Eziquieta et al. 2010, Stikkelbroeck et al. 2003, Skordis et al. 2015, Ramazani et al. 2008). New et al. (2013) reported that 98% (n = 497) of individuals with Non-classical CAH harbored this variant and its frequency was very high in affected individuals from the Ashkenazi Jewish population. Although this variant is associated with non-classical CAH, individuals with classical CAH were also found to have this variant (New et al. 2013). Functional studies found that co-expression of this mutant protein and wild-type (WT) protein results in a dominant negative effect on the enzymatic activity of WT protein (Felix-Lopez et al. 2003). Other studies indicate reduced enzyme activity with the p.Val281Leu allele (Wu and Chung 1991, Haider et al. 2013). The variant is observed in the population databases at a frequency below expected for the carrier rate based on prevalence of disease (ExAC, 1000 Genomes, ESP). Reputable clinical labs have interpreted this variant as pathogenic (Partners HealthCare and Ambry Genetics). In summary, this mutation meets the criteria for a Pathogenic variant for Adrenal hyperplasia, congenital, due to 21 â€“ hydroxylase deficiency. We have confirmed this finding in our laboratory using Sanger sequencing.

Clinical Genetics and Genomics, Karolinska University Hospital
Classification: Pathogenic. Last evaluated: 2015-04-30. Review status: criteria provided, single submitter. Criteria: ACMG Guidelines, 2015. Collection method: clinical testing. Allele origin: germline. Affected: yes. Observed: 55 variant alleles.

Laboratory for Molecular Medicine, Mass General Brigham Personalized Medicine
Classification: Pathogenic for Classic congenital adrenal hyperplasia due to 21-hydroxylase deficiency. Last evaluated: 2014-10-17. Review status: criteria provided, single submitter. Criteria: LMM Criteria. Collection method: clinical testing. Allele origin: germline. Inheritance: Autosomal recessive inheritance. Observed: 2 variant alleles.
Comment: The p.Val282Leu variant (NM_000500.7 c.844G>T) (also referred to as p.Val281Leu in the literature) in CYP21A2 is a well-established pathogenic variant and has b een reported in numerous individuals with non-classical congenital adrenal hyper plasia (CAH) (Marino 2001, Ezquieta 2010, New 2013). This variant has also been reported in ClinVar (Variation ID#12151), as pathogenic. This variant has been i dentified in 2.0% (175/8588) of Ashkenazi Jewish chromosomes by the Genome Aggre gation Database (gnomAD; dbSNP rs6471), althou gh data at this locus may not be reliable due to high homology with a pseudogene . In vitro functional studies indicate that the p.Val282Leu variant may impact protein function (Tusie-Luna 1990, Barbaro 2015). In summary, this variant meets our criteria to be classified as pathogenic for non-classical CAH in an autosom al recessive manner based on observations in individuals with this disease and f unctional evidence. ACMG/AMP Criteria applied: PM3 (upgraded to strong based on multiple occurrences), PS3, PP5 (Richards 2015).

Hadassah Hebrew University Medical Center
Classification: Pathogenic for 21-Hydroxylase-Deficient Congenital Adrenal Hyperplasia. Review status: criteria provided, single submitter. Criteria: ACMG Guidelines, 2015. Collection method: research. Allele origin: germline. Affected: no. Observed: 2 variant alleles.

Juno Genomics, Hangzhou Juno Genomics, Inc
Classification: Pathogenic for 21-Hydroxylase-Deficient Congenital Adrenal Hyperplasia. Review status: criteria provided, single submitter. Criteria: ACMG Guidelines, 2015. Collection method: clinical testing. Allele origin: germline.
Comment: For recessive disorders, detected in trans with a pathogenic variant.;Patient's phenotype or family history is highly specific for a disease with a single genetic etiology.;Well-established in vitro or in vivo functional studies supportive of a damaging effect on the gene or gene product.

Lifecell International Pvt. Ltd
Classification: Likely pathogenic for 21-Hydroxylase-Deficient Congenital Adrenal Hyperplasia. Review status: criteria provided, single submitter. Criteria: ACMG Guidelines, 2015. Collection method: clinical testing. Allele origin: germline. Inheritance: Autosomal recessive inheritance. Affected: yes. Observed: 1 compound heterozygote.
Comment: A Heterozygous Missense variant c.844G>T in Exon 7 of the CYP21A2 gene that results in the amino acid substitution p.Val282Leu was identified. The observed variant has a minor allele frequency of 0.00528/0% in gnomAD exomes and genomes, respectively. The severity of the impact of this variant on the protein is medium, based on the effect of the protein and REVEL score . Rare Exome Variant Ensemble Learner (REVEL) is an ensembl method for predicting the pathogenicity of missense variants based on a combination of scores from 13 individual tools: MutPred, FATHMM v2.3, VEST 3.0, PolyPhen-2, SIFT, PROVEAN, MutationAssessor, MutationTaster, LRT, GERP++, SiPhy, phyloP, and phastCons. The REVEL score for an individual missense variant can range from 0 to 1, with higher scores reflecting greater likelihood that the variant is disease-causing. ClinVar has also classified this variant as Pathogenic (Variant ID: 12151). Experimental studies have shown that this missense change affects CYP21A2 function (Karlsson L et al., 2019). This variant is frequently observed in individuals affected with non-classical congenital adrenal hyperplasia. Based on the above evidence this variant has been classified as Likely Pathogenic according to the ACMG guidelines.

PreventionGenetics, part of Exact Sciences
Classification: Pathogenic for CYP21A2-related condition. Last evaluated: 2024-07-11. Review status: no assertion criteria provided. Collection method: clinical testing. Allele origin: germline. Not counted in ClinVar's aggregate classification.
Comment: The CYP21A2 c.844G>T variant is predicted to result in the amino acid substitution p.Val282Leu. This is a common deleterious variant, which likely originated from the pseudogene CYP21A1P via gene conversion. This variant is a mild allele associated with non-classic congenital adrenal hyperplasia (CAH) (also known as V281L; see for example at New et al. 2013. PubMed ID: 23359698; Finkielstain et al. 2011. PubMed ID: 20926536). This variant is interpreted as pathogenic.

Zotz-Klimas Genetics Lab, MVZ Zotz Klimas
Classification: Pathogenic for 21-Hydroxylase-Deficient Congenital Adrenal Hyperplasia. Last evaluated: 2023-10-09. Review status: no assertion criteria provided. Collection method: clinical testing. Allele origin: germline. Affected: yes. Not counted in ClinVar's aggregate classification.

Department of Pathology and Laboratory Medicine, Sinai Health System
Classification: Pathogenic. Last evaluated: 2022-11-18. Review status: no assertion criteria provided. Collection method: clinical testing. Allele origin: unknown. Affected: yes. Study: The Canadian Open Genetics Repository (COGR). Not counted in ClinVar's aggregate classification.
Comment: The CYP21A2 c.844G>T (p.Val282Leu) variant was identified in the literature at a frequency of 0.239 in 3005 patient chromosomes with congenital adrenal hyperplasia due to 21-hydroxylate deficiency (CAH), patients exhibited both CAH as well as non-classical CAH; the variant was also observed in 13 of 72 (1 homozygous) patients suspected of having CAH (freq:0.194), all patients carrying the variant were identified as having non-classical CAH or were heterozygous carriers for a variant implicated in CAH; the variant was also identified at a frequency of 0.18 in 228 patient chromosomes with classical and non-classical CAH in a Brazilian cohort; and this variant was observed in 35 of 74 patient chromosomes (9 homozygous) with CAH in another Brazilian cohort (New_2013_PMID:23359698, Kopacek_2018_PMID:29715434, Bachega_1998_PMID:9851787, Nan_2021_PMID:33809035). The variant was also identified in dbSNP (ID: rs6471), ClinVar (classified as pathogenic 18X by Oregon Health and Sciences University, Gulgent Genetics, Athena Diagnostics, Myriad Women's Health, Ambry Genetics, Karolinska University Hospital, GGL Genetic Diagnostics, Partners HealthCare Personalized Medicine, Mendelics, Quest Diagnostics, OMIM, GeneReviews, BGI Genomics, Leiden University Medical Center, GeneDX, and Klinikum rechts der Isar), and Cosmic (3 samples, tissue distribution: lung and thyroid) databases. The variant was identified in control databases in 1508 of 273420 chromosomes (2 homozygous) at a frequency of 0.005515, and was observed at the highest frequency in the Ashkenazi Jewish population in 223 of 9116 chromosomes (freq: 0.02446) (Genome Aggregation Database September 7, 2021, v2.1.1). The p.Val282 residue is conserved in mammals and computational analyses (MUT Assesor, PolyPhen-2, SIFT, MutationTaster, Revel, FATHMM, MetaLR, DANN) provide inconsistent predictions regarding the impact to the protein; this information is not very predictive of pathogenicity. The variant occurs outside of the splicing consensus sequence and in silico or computational prediction software programs (Splice AI exome) do not predict a deleterious effect on splicing. Functional studies have found that the p.Val282Leu variant results in a 20-50% reduction in enzymatic activity (Tusie-Luna_1990_PMID:2249999). In summary, based on the above information this variant meets our laboratory’s criteria to be classified as pathogenic.

Reproductive Health Research and Development, BGI Genomics
Classification: Pathogenic for Classic congenital adrenal hyperplasia due to 21-hydroxylase deficiency. Last evaluated: 2020-01-06. Review status: no assertion criteria provided. Collection method: curation. Allele origin: germline. Not counted in ClinVar's aggregate classification.
Comment: NM_000500.7:c.844G>T in the CYP21A2 gene has an allele frequency of 0.023 in Ashkenazi Jewish subpopulation in the gnomAD database. The p.Val282Leu variant (NM_000500.7 c.844G>T) (also referred to as p.Val281Leu in the literature) in CYP21A2 is a well-established pathogenic variant and has been reported in numerous individuals with congenital adrenal hyperplasia (CAH), in trans with another pathogenic variant (PMID: 21609351; 20661889; 23359698). In vitro functional studies indicate that the p.Val282Leu variant may impact protein function (PMID: 24953648). Taken together, we interprete this variant as Pathogenic/Likely pathogenic. ACMG/AMP Criteria applied: PM3_Strong; PS3; PP4.

OMIM
Classification: Pathogenic for ADRENAL HYPERPLASIA, CONGENITAL, DUE TO 21-HYDROXYLASE DEFICIENCY, NONCLASSIC TYPE. Last evaluated: 1998-07-01. Review status: no assertion criteria provided. Collection method: literature only. Allele origin: germline. Not counted in ClinVar's aggregate classification.